The following is an entry in ClinVar:

NM_020631.6(PLEKHG5):c.2118GGA[4] (p.Glu708_Asp709insGlu)

Gene: PLEKHG5 (pleckstrin homology and RhoGEF domain containing G5; minus strand). Cytogenetic location: 1p36.31.
Variant type: Microsatellite.
Coding change: c.2118GGA[4] on transcript NM_020631.6 (MANE Select); four copies in a row of the 3-base unit GGA starting at c.2118; the reference has three copies in a row; one copy, 3 bases duplicated.
Protein change: p.Glu708_Asp709insGlu.
Molecular consequence: inframe insertion. On other transcripts: inframe indel (4).
Genome position (GRCh38, 1-based): chr1:6,469,165-6,469,167, TCC duplicated on the plus strand (GGA on the coding strand, the reverse complement: PLEKHG5 is on the minus strand); duplicating any 3 consecutive bases within chr1:6,469,165-6,469,175 gives the same sequence; the position shown is the placement nearest the transcript's 3' end. VCF-style (leftmost placement, unchanged base first): chr1-6469164-A-ATCC. GRCh37 (hg19) VCF-style: chr1-6529224-A-ATCC.
Other names: c.2229GGA[4], p.Glu745_Asp746insGlu (NM_001042663.3, NM_001265592.2); c.2116_2118GAG[4], p.Glu708_Asp709insGlu (NM_001042664.2, NM_001042665.2, NM_001265594.3); c.2323_2325GAG[4], p.Glu777_Asp778insGlu (NM_001265593.2); c.2118GGA[4], p.Glu708_Asp709insGlu (NM_198681.4).
Identifiers: ClinVar variation 1711205 (VCV001711205.30), dbSNP rs759263875, ClinGen allele CA2580611387.

ClinVar aggregate classification (germline): Uncertain significance (1 of 4 stars; one submission).

Submission:

CeGaT Center for Human Genetics Tuebingen
Classification: Uncertain significance. Last evaluated: 2022-08-01. Review status: criteria provided, single submitter. Criteria: CeGaT Center For Human Genetics Tuebingen Variant Classification Criteria Version 2. Collection method: clinical testing. Allele origin: germline. Affected: yes. Observed: 1 variant allele.
Comment: PLEKHG5: PM2, PM4:Supporting